The following is an entry in ClinVar:

ClinVar aggregate classification (germline): Uncertain significance. Review status: criteria provided, multiple submitters, no conflicts (2 of 4 stars). 3 submissions from 3 submitters: Uncertain significance (3). Last evaluated 2025-10-28.

Conditions:
Cardiovascular phenotype. Identifiers: MedGen CN230736.
Legius syndrome. Identifiers: Orphanet 137605, MedGen C1969623, MONDO:0012669, OMIM 611431. Disease mechanism: loss of function.

Allele frequency attached by ClinVar (database versions not stated): gnomAD exomes below 0.00001; TOPMed below 0.00001; gnomAD 0.00001.
gnomAD v4.1: 5 of 1,613,990 alleles (0.00031%); highest among the groups gnomAD compares: African/African-American, 0.0067%; no homozygotes.

Submissions (3):

Labcorp Genetics (formerly Invitae), Labcorp
Classification: Uncertain significance for Legius syndrome. Last evaluated: 2025-10-28. Review status: criteria provided, single submitter. Criteria: Invitae Variant Classification Sherloc (09022015). Collection method: clinical testing. Allele origin: germline.
Comment: This sequence change replaces aspartic acid, which is acidic and polar, with asparagine, which is neutral and polar, at codon 277 of the SPRED1 protein (p.Asp277Asn). This variant is not present in population databases (gnomAD no frequency). This variant has not been reported in the literature in individuals affected with SPRED1-related conditions. ClinVar contains an entry for this variant (Variation ID: 2587855). Invitae Evidence Modeling of protein sequence and biophysical properties (such as structural, functional, and spatial information, amino acid conservation, physicochemical variation, residue mobility, and thermodynamic stability) indicates that this missense variant is not expected to disrupt SPRED1 protein function with a negative predictive value of 80%. In summary, the available evidence is currently insufficient to determine the role of this variant in disease. Therefore, it has been classified as a Variant of Uncertain Significance.

GeneDx
Classification: Uncertain significance. Last evaluated: 2023-11-02. Review status: criteria provided, single submitter. Criteria: GeneDx Variant Classification Process June 2021. Collection method: clinical testing. Allele origin: germline. Affected: yes.
Comment: Not observed at significant frequency in large population cohorts (gnomAD); In silico analysis supports that this missense variant does not alter protein structure/function; Has not been previously published as pathogenic or benign to our knowledge

Ambry Genetics
Classification: Uncertain significance for Cardiovascular phenotype. Last evaluated: 2023-09-07. Review status: criteria provided, single submitter. Criteria: Ambry Variant Classification Scheme 2023. Collection method: clinical testing. Allele origin: germline.
Comment: The p.D277N variant (also known as c.829G>A), located in coding exon 7 of the SPRED1 gene, results from a G to A substitution at nucleotide position 829. The aspartic acid at codon 277 is replaced by asparagine, an amino acid with highly similar properties. This amino acid position is conserved. In addition, this alteration is predicted to be tolerated by in silico analysis. Since supporting evidence is limited at this time, the clinical significance of this alteration remains unclear.

NM_152594.3(SPRED1):c.829G>A (p.Asp277Asn)

Gene: SPRED1 (sprouty related EVH1 domain containing 1; plus strand). Cytogenetic location: 15q14.
Variant type: single nucleotide variant.
Coding change: c.829G>A on transcript NM_152594.3 (MANE Select); coding-DNA position 829, G replaced by A.
Protein change: p.Asp277Asn; replaces aspartic acid 277 with asparagine.
Molecular consequence: missense variant.
Genome position (GRCh38, 1-based): chr15:38,351,158, G>A. VCF-style: chr15-38351158-G-A. GRCh37 (hg19) VCF-style: chr15-38643359-G-A.
Other names: short protein forms D277N.
Identifiers: ClinVar variation 2587855 (VCV002587855.5), dbSNP rs1043239392, ClinGen allele CA269293446.
Genomic context (GRCh38, chr15:38,351,158, plus strand): 5'-CGCTATGCAGACTACAGACATCCTGACATGTGGAAAAATGACTTGGAAAGAGATGATGCT[G>A]ATTCCAGTATTCAGTTTTCTAAACCAGACAGTAAAAAATCAGACTATCTGTACTCTTGTG-3'
Protein context (NP_689807.1, residues 267-287): WKNDLERDDA[Asp277Asn]SSIQFSKPDS